The following is an entry in ClinVar:

NM_001165963.4(SCN1A):c.4412C>G (p.Ser1471Cys)

Genes: SCN1A (sodium voltage-gated channel alpha subunit 1; minus strand), LOC102724058 (uncharacterized LOC102724058; plus strand). Cytogenetic location: 2q24.3.
Variant type: single nucleotide variant.
Coding change: c.4412C>G on transcript NM_001165963.4 (MANE Select); coding-DNA position 4412, C replaced by G.
Protein change: p.Ser1471Cys; replaces serine 1471 with cysteine.
Molecular consequence: missense variant. On other transcripts: non-coding transcript variant (1).
Genome position (GRCh38, 1-based): chr2:165,998,102, G>C on the plus strand (C>G on the coding strand, the complement: SCN1A is on the minus strand). VCF-style: chr2-165998102-G-C. GRCh37 (hg19) VCF-style: chr2-166854612-G-C.
Other names: c.4328C>G, p.Ser1443Cys (NM_001165964.3, NM_001353957.2, NM_001353958.2); c.4412C>G, p.Ser1471Cys (NM_001202435.3, NM_001353948.2); c.4379C>G, p.Ser1460Cys (NM_001353949.2, NM_001353950.2, NM_001353951.2 and 2 more transcripts); c.4376C>G, p.Ser1459Cys (NM_001353954.2, NM_001353955.2); c.4325C>G, p.Ser1442Cys (NM_001353960.2); c.1970C>G, p.Ser657Cys (NM_001353961.2); c.4412C>G (NM_001165963.1); short protein forms S1442C, S1443C, S1459C, S1460C, S1471C, S657C.
Identifiers: ClinVar variation 2501293 (VCV002501293.3), dbSNP rs794726809, ClinGen allele CA349049351.
Genomic context (GRCh38, chr2:165,998,102, plus strand): 5'-TTTTTCTGCTGGTTGAAATTATCTATGATGACACCAATAAACAGGTTCAAGGTGAAGAAG[G>C]ACCCAAAGATGATGAAAATAACAAAGTAAAGATACATGTACAGACTTTCTTCATACTTAG-3'
Protein context (NP_001159435.1, residues 1461-1481): LYFVIFIIFG[Ser1471Cys]FFTLNLFIGV

ClinVar aggregate classification (germline): Conflicting classifications of pathogenicity. Review status: criteria provided, conflicting classifications (1 of 4 stars). 3 submissions from 3 submitters: Likely pathogenic (1); Uncertain significance (2). Last evaluated 2025-03-07.

Conditions:
Inborn genetic diseases. Identifiers: MedGen C0950123, MeSH D030342.
Severe myoclonic epilepsy in infancy (DRVT). Also called: Severe Myoclonic Epilepsy in Infancy (SMEI); Dravet syndrome; Epileptic encephalopathy, early infantile, 6 (Dravet syndrome); SEVERE MYOCLONIC EPILEPSY OF INFANCY; DEVELOPMENTAL AND EPILEPTIC ENCEPHALOPATHY 6A. Identifiers: Orphanet 33069, MedGen C0751122, MONDO:0100135, OMIM 607208.

Submissions (3):

Ambry Genetics
Classification: Uncertain significance for Inborn genetic diseases. Last evaluated: 2025-03-07. Review status: criteria provided, single submitter. Criteria: Ambry Variant Classification Scheme 2023. Collection method: clinical testing. Allele origin: germline.
Comment: The c.4412C>G (p.S1471C) alteration is located in exon 23 (coding exon 23) of the SCN1A gene. This alteration results from a C to G substitution at nucleotide position 4412, causing the serine (S) at amino acid position 1471 to be replaced by a cysteine (C). This variant was not reported in population-based cohorts in the Genome Aggregation Database (gnomAD). This variant was determined to be de novo in at least one individual with features consistent with SCN1A-related seizure disorders (Ma, 2022). Other variant(s) at the same codon, c.4412C>T (p.S1471F) have been identified in individual(s) with features consistent with SCN1A-related seizure disorders (Yao, 2021). This amino acid position is well conserved in available vertebrate species. This missense alteration is located in a region that has a low rate of benign missense variation (Lek, 2016; Firth, 2009). This alteration is predicted to be deleterious by in silico analysis. Based on insufficient or conflicting evidence, the clinical significance of this alteration remains unclear.

Women's Health and Genetics/Laboratory Corporation of America, LabCorp
Classification: Uncertain significance. Last evaluated: 2023-05-12. Review status: criteria provided, single submitter. Criteria: LabCorp Variant Classification Summary - May 2015. Collection method: clinical testing. Allele origin: germline.
Comment: Variant summary: SCN1A c.4412C>G (p.Ser1471Cys) results in a non-conservative amino acid change located in the Ion transport domain (IPR005821) of the encoded protein sequence. Five of five in-silico tools predict a damaging effect of the variant on protein function. The variant was absent in 249232 control chromosomes. The available data on variant occurrences in the general population are insufficient to allow any conclusion about variant significance. c.4412C>G has been reported as de novo in the literature in one individual affected with Epilepsy (Ma_2022). Two other variants affecting the same amino acid (p.Ser1471Tyr, p.Ser1471Phe) have been reported in ClinVar as likely pathogenic and pathogenic respectively, however the available evidence is currently insufficient to determine the role of this variant in disease. To our knowledge, no experimental evidence demonstrating an impact on protein function has been reported. The following publication have been ascertained in the context of this evaluation (PMID: 35663268). No clinical diagnostic laboratories have submitted clinical-significance assessments for this variant to ClinVar after 2014. Based on the evidence outlined above, the variant was classified as uncertain significance.

Lifecell International Pvt. Ltd
Classification: Likely pathogenic for Severe myoclonic epilepsy in infancy. Review status: criteria provided, single submitter. Criteria: ACMG Guidelines, 2015. Collection method: clinical testing. Allele origin: germline. Inheritance: Autosomal dominant inheritance. Affected: yes. Observed: 1 heterozygote.
Comment: A Heterozygous Missense variant c.4379C>G in Exon 26 of the SCN1A gene that results in the amino acid substitution p.Ser1460Cys was identified. The observed variant is novel in gnomAD exomes and genomes.The severity of the impact of this variant on the protein is high, based on the effect of the protein and REVEL score . Rare Exome Variant Ensemble Learner (REVEL) is an ensembl method for predicting the pathogenicity of missense variants based on a combination of scores from 13 individual tools: MutPred, FATHMM v2.3, VEST 3.0, PolyPhen-2, SIFT, PROVEAN, MutationAssessor, MutationTaster, LRT, GERP++, SiPhy, phyloP, and phastCons. The REVEL score for an individual missense variant can range from 0 to 1, with higher scores reflecting greater likelihood that the variant is disease-causing. Based on the above evidence this variant has been classified as Likely Pathogenic according to the ACMG guidelines.

Literature cited by the submitters: PubMed 34992632 (cited by Ambry Genetics); PubMed 35663268 (cited by Ambry Genetics and Women's Health and Genetics/Laboratory Corporation of America, LabCorp).